The following is an entry in ClinVar:

ClinVar aggregate classification (germline): Pathogenic (0 of 4 stars; one submission).

Conditions:
Spondyloepimetaphyseal dysplasia with joint laxity, type 3. Also called: EXOC6B-Related Spondyloepimetaphyseal Dysplasia with Joint Laxity. Identifiers: Orphanet 642085, MedGen C5193073, MONDO:0032724, OMIM 618395.

Submission:

Hacettepe Pediatric Genetics Laboratory, Hacettepe University
Classification: Pathogenic for Spondyloepimetaphyseal dysplasia with joint laxity, type 3. Last evaluated: 2022-01-24. Review status: no assertion criteria provided. Collection method: clinical testing. Allele origin: germline. Inheritance: Autosomal recessive inheritance. Affected: no and yes. Observed: 2 variant alleles, 2 heterozygotes, 1 homozygote.
Comment: The detected variant in EXOC6B is a novel one. It has not been reported before. This variant is not found in gnomAD exomes and gnomAD genomes.

NM_015189.3(EXOC6B):c.401T>G (p.Leu134Ter)

Gene: EXOC6B (exocyst complex component 6B; minus strand). Cytogenetic location: 2p13.2.
Variant type: single nucleotide variant.
Coding change: c.401T>G on transcript NM_015189.3 (MANE Select); coding-DNA position 401, T replaced by G.
Protein change: p.Leu134Ter; replaces leucine 134 with a stop codon.
Molecular consequence: nonsense. On other transcripts: non-coding transcript variant (2).
Genome position (GRCh38, 1-based): chr2:72,731,172, A>C on the plus strand (T>G on the coding strand, the complement: EXOC6B is on the minus strand). VCF-style: chr2-72731172-A-C. GRCh37 (hg19) VCF-style: chr2-72958301-A-C.
Other names: c.401T>G, p.Leu134Ter (NM_001321729.2, NM_001321730.2, NM_001321731.2 and 1 more transcripts); c.62T>G, p.Leu21Ter (NM_001321734.2); short protein forms L134*, L21*.
Identifiers: ClinVar variation 1335877 (VCV001335877.2), dbSNP rs2104774484, ClinGen allele CA347433133.